The following is an entry in ClinVar:

NM_006979.3(SLC39A7):c.595C>T (p.His199Tyr)

Gene: SLC39A7 (solute carrier family 39 member 7; plus strand). Cytogenetic location: 6p21.32.
Variant type: single nucleotide variant.
Coding change: c.595C>T on transcript NM_006979.3 (MANE Select); coding-DNA position 595, C replaced by T.
Protein change: p.His199Tyr; replaces histidine 199 with tyrosine.
Molecular consequence: missense variant.
Genome position (GRCh38, 1-based): chr6:33,202,086, C>T. VCF-style: chr6-33202086-C-T. GRCh37 (hg19) VCF-style: chr6-33169863-C-T.
Other names: c.595C>T, p.His199Tyr (NM_001077516.2); c.220C>T, p.His74Tyr (NM_001288777.2); short protein forms H199Y, H74Y.
Identifiers: ClinVar variation 3694955 (VCV003694955.1).

ClinVar aggregate classification (germline): Uncertain significance (1 of 4 stars; one submission).

gnomAD v4.1: 1 of 1,612,954 alleles (0.000062%); highest among the groups gnomAD compares: Admixed American, 0.0017%; no homozygotes.

Submission:

Labcorp Genetics (formerly Invitae), Labcorp
Classification: Uncertain significance. Last evaluated: 2024-09-24. Review status: criteria provided, single submitter. Criteria: Invitae Variant Classification Sherloc (09022015). Collection method: clinical testing. Allele origin: germline.
Comment: This sequence change replaces histidine, which is basic and polar, with tyrosine, which is neutral and polar, at codon 199 of the SLC39A7 protein (p.His199Tyr). This variant is not present in population databases (gnomAD no frequency). This variant has not been reported in the literature in individuals affected with SLC39A7-related conditions. An algorithm developed to predict the effect of missense changes on protein structure and function (PolyPhen-2) suggests that this variant is likely to be disruptive. In summary, the available evidence is currently insufficient to determine the role of this variant in disease. Therefore, it has been classified as a Variant of Uncertain Significance.